The following is an entry in ClinVar:

ClinVar aggregate classification (germline): Uncertain significance (1 of 4 stars; one submission).

gnomAD v4.1: 3 of 1,610,676 alleles (0.00019%); highest among the groups gnomAD compares: Non-Finnish European, 0.00017%; no homozygotes.

Submission:

GeneDx
Classification: Uncertain significance. Last evaluated: 2024-08-19. Review status: criteria provided, single submitter. Criteria: GeneDx Variant Classification Process June 2021. Collection method: clinical testing. Allele origin: germline. Affected: yes.
Comment: Not observed at significant frequency in large population cohorts (gnomAD); In silico analysis indicates that this missense variant does not alter protein structure/function; Has not been previously published as pathogenic or benign to our knowledge

NM_017433.5(MYO3A):c.2467A>G (p.Met823Val)

Gene: MYO3A (myosin IIIA; plus strand). Cytogenetic location: 10p12.1.
Variant type: single nucleotide variant.
Coding change: c.2467A>G on transcript NM_017433.5 (MANE Select); coding-DNA position 2467, A replaced by G.
Protein change: p.Met823Val; replaces methionine 823 with valine.
Molecular consequence: missense variant.
Genome position (GRCh38, 1-based): chr10:26,145,496, A>G. VCF-style: chr10-26145496-A-G. GRCh37 (hg19) VCF-style: chr10-26434425-A-G.
Other names: short protein forms M823V.
Identifiers: ClinVar variation 3764278 (VCV003764278.1).